The following is an entry in ClinVar:

ClinVar aggregate classification (germline): Pathogenic (1 of 4 stars; one submission).

Conditions:
Hereditary cancer-predisposing syndrome. Also called: Neoplastic Syndromes, Hereditary; Tumor predisposition; Hereditary Cancer Syndrome; Hereditary neoplastic syndrome. Identifiers: Orphanet 140162, MedGen C0027672, MeSH D009386, MONDO:0015356.

Submission:

Ambry Genetics
Classification: Pathogenic for Hereditary cancer-predisposing syndrome. Last evaluated: 2021-12-18. Review status: criteria provided, single submitter. Criteria: Ambry Variant Classification Scheme 2023. Collection method: clinical testing. Allele origin: germline.
Comment: The c.180_193del14 pathogenic mutation, located in coding exon 1 of the VHL gene, results from a deletion of 14 nucleotides at nucleotide positions 180 to 193, causing a translational frameshift with a predicted alternate stop codon (p.P61Gfs*66). This variant is considered to be rare based on population cohorts in the Genome Aggregation Database (gnomAD). This alteration is expected to result in loss of function by premature protein truncation or nonsense-mediated mRNA decay. As such, this alteration is interpreted as a disease-causing mutation.

NM_000551.4(VHL):c.180_193del (p.Pro61fs)

Gene: VHL (von Hippel-Lindau tumor suppressor; plus strand). Cytogenetic location: 3p25.3.
Variant type: Deletion.
Coding change: c.180_193del on transcript NM_000551.4 (MANE Select); coding-DNA positions 180 to 193, 14 bases deleted (GCCCGTGCTGCGCT).
Protein change: p.Pro61fs; shifts the reading frame from proline 61.
Molecular consequence: frameshift variant.
Genome position (GRCh38, 1-based): chr3:10,142,027-10,142,040, GCCCGTGCTGCGCT deleted. VCF-style (leftmost placement, unchanged base first): chr3-10142026-GGCCCGTGCTGCGCT-G. GRCh37 (hg19) VCF-style: chr3-10183710-GGCCCGTGCTGCGCT-G.
Other names: c.180_193del, p.Pro61fs (NM_001354723.2, NM_198156.3); c.180_193del14 (NM_000551.3); short protein forms P61fs.
Identifiers: ClinVar variation 1780385 (VCV001780385.2), dbSNP rs2470157947, ClinGen allele CA2580068390.